The following is an entry in ClinVar:

ClinVar aggregate classification (germline): Uncertain significance (1 of 4 stars; one submission).

Submission:

GeneDx
Classification: Uncertain significance. Last evaluated: 2026-02-05. Review status: criteria provided, single submitter. Criteria: GeneDx Variant Classification Process June 2021. Collection method: clinical testing. Allele origin: germline.
Comment: Not observed at significant frequency in large population cohorts (gnomAD); In silico analysis supports that this missense variant has a deleterious effect on protein structure/function; Has not been previously published as pathogenic or benign to our knowledge

NM_003995.4(NPR2):c.2969T>C (p.Met990Thr)

Genes: NPR2 (natriuretic peptide receptor 2; plus strand), SPAG8 (sperm associated antigen 8; minus strand). Cytogenetic location: 9p13.3.
Variant type: single nucleotide variant.
Coding change: c.2969T>C on transcript NM_003995.4 (MANE Select); coding-DNA position 2969, T replaced by C.
Protein change: p.Met990Thr; replaces methionine 990 with threonine.
Molecular consequence: missense variant. On other transcripts: intron variant (2).
Genome position (GRCh38, 1-based): chr9:35,808,836, T>C. VCF-style: chr9-35808836-T-C. GRCh37 (hg19) VCF-style: chr9-35808833-T-C.
Other names: c.2978T>C, p.Met993Thr (NM_001378923.1); c.1201-530A>G (NM_001366760.2); c.1373-530A>G (NM_172312.2); short protein forms M990T, M993T.
Identifiers: ClinVar variation 3900535 (VCV003900535.2).